The following is an entry in ClinVar:

ClinVar aggregate classification (germline): Likely benign. Review status: criteria provided, multiple submitters, no conflicts (2 of 4 stars). 2 submissions from 2 submitters: Likely benign (2). Last evaluated 2025-01-09.

Conditions:
Methylmalonic acidemia with homocystinuria, type cblJ (MAHCJ). Also called: METHYLMALONIC ACIDURIA AND HOMOCYSTINURIA, cblJ TYPE. Identifiers: Orphanet 369955, MedGen C3553915, MONDO:0013925, OMIM 614857.

Allele frequency attached by ClinVar (database versions not stated): TOPMed 0.00001; gnomAD below 0.00001 and 0.00004; gnomAD exomes 0.00027 and 0.00011; 1000 Genomes Project 0.00060; 1000 Genomes Project 30x 0.00062; ExAC 0.00029.
gnomAD v4.1: 175 of 1,613,018 alleles (0.011%); highest among the groups gnomAD compares: South Asian, 0.15%; no homozygotes.

Submissions (2):

Labcorp Genetics (formerly Invitae), Labcorp
Classification: Likely benign for Methylmalonic acidemia with homocystinuria, type cblJ. Last evaluated: 2025-01-09. Review status: criteria provided, single submitter. Criteria: Invitae Variant Classification Sherloc (09022015). Collection method: clinical testing. Allele origin: germline.

GeneDx
Classification: Likely benign. Last evaluated: 2017-01-31. Review status: criteria provided, single submitter. Criteria: GeneDx Variant Classification (06012015). Collection method: clinical testing. Allele origin: germline. Affected: yes.
Comment: This variant is considered likely benign or benign based on one or more of the following criteria: it is a conservative change, it occurs at a poorly conserved position in the protein, it is predicted to be benign by multiple in silico algorithms, and/or has population frequency not consistent with disease.

NM_005050.4(ABCD4):c.57A>G (p.Gln19=)

Gene: ABCD4 (ATP binding cassette subfamily D member 4; minus strand). Cytogenetic location: 14q24.3.
Variant type: single nucleotide variant.
Coding change: c.57A>G on transcript NM_005050.4 (MANE Select); coding-DNA position 57, A replaced by G.
Protein change: p.Gln19=; no amino-acid change (glutamine 19 retained).
Molecular consequence: synonymous variant. On other transcripts: 5 prime UTR variant (15), non-coding transcript variant (8), intron variant (4).
Genome position (GRCh38, 1-based): chr14:74,300,250, T>C on the plus strand (A>G on the coding strand, the complement: ABCD4 is on the minus strand). VCF-style: chr14-74300250-T-C. GRCh37 (hg19) VCF-style: chr14-74766953-T-C.
Other names: c.57A>G, p.Gln19= (NM_001353591.2, NM_001353592.2, NM_020325.3); c.-353A>G (NM_001353595.2); c.-225A>G (NM_001353596.2, NM_001353597.2); c.-281A>G (NM_001353599.2, NM_020324.3); c.-293A>G (NM_001353600.2); c.-153A>G (NM_001353601.2); c.-633A>G (NM_001353602.2); c.-510A>G (NM_001353603.2, NM_001353606.2); and 6 more.
Identifiers: ClinVar variation 383916 (VCV000383916.10), dbSNP rs574817590, ClinGen allele CA7267346.